The following is an entry in ClinVar:

NM_001846.4(COL4A2):c.382C>T (p.Pro128Ser)

Gene: COL4A2 (collagen type IV alpha 2 chain; plus strand). Cytogenetic location: 13q34.
Variant type: single nucleotide variant.
Coding change: c.382C>T on transcript NM_001846.4 (MANE Select); coding-DNA position 382, C replaced by T.
Protein change: p.Pro128Ser; replaces proline 128 with serine.
Molecular consequence: missense variant.
Genome position (GRCh38, 1-based): chr13:110,428,488, C>T. VCF-style: chr13-110428488-C-T. GRCh37 (hg19) VCF-style: chr13-111080835-C-T.
Other names: short protein forms P128S.
Identifiers: ClinVar variation 452645 (VCV000452645.6), dbSNP rs975120661, ClinGen allele CA256281047.

ClinVar aggregate classification (germline): Uncertain significance. Review status: criteria provided, multiple submitters, no conflicts (2 of 4 stars). 2 submissions from 2 submitters: Uncertain significance (2). Last evaluated 2021-10-12.

Conditions:
Brain small vessel disease 2A, autosomal dominant. Also called: Porencephaly 2. Identifiers: Orphanet 2940, Orphanet 99810, MedGen C3280970, MONDO:0013773, OMIM 614483.

Allele frequency attached by ClinVar (database versions not stated): gnomAD 0.00001; gnomAD exomes 0.00004; TOPMed 0.00004.
gnomAD v4.1: 64 of 1,579,700 alleles (0.0041%); highest among the groups gnomAD compares: Non-Finnish European, 0.0052%; no homozygotes.

Submissions (2):

Revvity Omics, Revvity
Classification: Uncertain significance for Brain small vessel disease 2A, autosomal dominant. Last evaluated: 2021-10-12. Review status: criteria provided, single submitter. Criteria: ACMG Guidelines, 2015. Collection method: clinical testing. Allele origin: germline.

GeneDx
Classification: Uncertain significance. Last evaluated: 2019-12-11. Review status: criteria provided, single submitter. Criteria: GeneDx Variant Classification Process June 2021. Collection method: clinical testing. Allele origin: germline. Affected: yes.
Comment: Not observed at a significant frequency in large population cohorts (Lek et al., 2016); In silico analysis, which includes protein predictors and evolutionary conservation, supports a deleterious effect; Has not been previously published as pathogenic or benign to our knowledge